The following is an entry in ClinVar:

ClinVar aggregate classification (germline): Pathogenic (1 of 4 stars; one submission).

Submission:

Labcorp Genetics (formerly Invitae), Labcorp
Classification: Pathogenic. Last evaluated: 2022-08-10. Review status: criteria provided, single submitter. Criteria: Invitae Variant Classification Sherloc (09022015). Collection method: clinical testing. Allele origin: germline.
Comment: This variant has not been reported in the literature in individuals affected with COL2A1-related conditions. For these reasons, this variant has been classified as Pathogenic. This variant is not present in population databases (gnomAD no frequency). This sequence change creates a premature translational stop signal (p.Lys929*) in the COL2A1 gene. It is expected to result in an absent or disrupted protein product. Loss-of-function variants in COL2A1 are known to be pathogenic (PMID: 20179744).

Literature cited by the submitters: PubMed 20179744.

NM_001844.5(COL2A1):c.2785A>T (p.Lys929Ter)

Gene: COL2A1 (collagen type II alpha 1 chain; minus strand). Cytogenetic location: 12q13.11.
Variant type: single nucleotide variant.
Coding change: c.2785A>T on transcript NM_001844.5 (MANE Select); coding-DNA position 2785, A replaced by T.
Protein change: p.Lys929Ter; replaces lysine 929 with a stop codon.
Molecular consequence: nonsense.
Genome position (GRCh38, 1-based): chr12:47,978,707, T>A on the plus strand (A>T on the coding strand, the complement: COL2A1 is on the minus strand). VCF-style: chr12-47978707-T-A. GRCh37 (hg19) VCF-style: chr12-48372490-T-A.
Other names: c.2578A>T, p.Lys860Ter (NM_033150.3); short protein forms K860*, K929*.
Identifiers: ClinVar variation 2020073 (VCV002020073.4), dbSNP rs2540113603, ClinGen allele CA384542360.